The following is an entry in ClinVar:

ClinVar aggregate classification (germline): Uncertain significance (1 of 4 stars; one submission).

Conditions:
SLC10A1-related disorder. Also called: SLC10A1-related condition.

gnomAD v4.1: 4 of 1,614,094 alleles (0.00025%); highest among the groups gnomAD compares: Non-Finnish European, 0.00034%; no homozygotes.

Submission:

PreventionGenetics, part of Exact Sciences
Classification: Uncertain significance for SLC10A1-related condition. Last evaluated: 2026-06-04. Review status: criteria provided, single submitter. Criteria: ACMG Guidelines, 2015. Collection method: clinical testing. Allele origin: germline.
Comment: The SLC10A1 c.257A>G variant is predicted to result in the amino acid substitution p.Lys86Arg. To our knowledge, this variant has not been reported in the literature or in a large population database (gnomAD), indicating this variant is rare. At this time, the clinical significance of this variant is uncertain due to the absence of conclusive functional and genetic evidence.

NM_003049.4(SLC10A1):c.257A>G (p.Lys86Arg)

Gene: SLC10A1 (solute carrier family 10 member 1; minus strand). Cytogenetic location: 14q24.1.
Variant type: single nucleotide variant.
Coding change: c.257A>G on transcript NM_003049.4 (MANE Select); coding-DNA position 257, A replaced by G.
Protein change: p.Lys86Arg; replaces lysine 86 with arginine.
Molecular consequence: missense variant.
Genome position (GRCh38, 1-based): chr14:69,796,899, T>C on the plus strand (A>G on the coding strand, the complement: SLC10A1 is on the minus strand). VCF-style: chr14-69796899-T-C. GRCh37 (hg19) VCF-style: chr14-70263616-T-C.
Other names: short protein forms K86R.
Identifiers: ClinVar variation 4985183 (VCV004985183.1).